The following is an entry in ClinVar:

NM_001042492.3(NF1):c.187A>C (p.Lys63Gln)

Gene: NF1 (neurofibromin 1; plus strand). Cytogenetic location: 17q11.2.
Variant type: single nucleotide variant.
Coding change: c.187A>C on transcript NM_001042492.3 (MANE Select); coding-DNA position 187, A replaced by C.
Protein change: p.Lys63Gln; replaces lysine 63 with glutamine.
Molecular consequence: missense variant.
Genome position (GRCh38, 1-based): chr17:31,156,109, A>C. VCF-style: chr17-31156109-A-C. GRCh37 (hg19) VCF-style: chr17-29483127-A-C.
Other names: c.187A>C, p.Lys63Gln (NM_000267.4, NM_001128147.3); short protein forms K63Q.
Identifiers: ClinVar variation 4860998 (VCV004860998.1).

ClinVar aggregate classification (germline): Uncertain significance (1 of 4 stars; one submission).

Conditions:
Cardiovascular phenotype. Identifiers: MedGen CN230736.
Hereditary cancer-predisposing syndrome. Also called: Neoplastic Syndromes, Hereditary; Tumor predisposition; Hereditary Cancer Syndrome; Hereditary neoplastic syndrome. Identifiers: Orphanet 140162, MedGen C0027672, MeSH D009386, MONDO:0015356.

Submission:

Ambry Genetics
Classification: Uncertain significance for Cardiovascular phenotype; Hereditary cancer-predisposing syndrome. Last evaluated: 2026-06-10. Review status: criteria provided, single submitter. Criteria: Ambry Variant Classification Scheme 2023. Collection method: clinical testing. Allele origin: germline.
Comment: The p.K63Q variant (also known as c.187A>C), located in coding exon 2 of the NF1 gene, results from an A to C substitution at nucleotide position 187. The lysine at codon 63 is replaced by glutamine, an amino acid with similar properties. This amino acid position is conserved. In addition, this alteration is predicted to be tolerated by in silico analysis. Based on the available evidence, the clinical significance of this variant remains unclear.